The following is an entry in ClinVar:

NM_000540.3(RYR1):c.14641A>T (p.Met4881Leu)

Gene: RYR1 (ryanodine receptor 1; plus strand). Cytogenetic location: 19q13.2.
Variant type: single nucleotide variant.
Coding change: c.14641A>T on transcript NM_000540.3 (MANE Select); coding-DNA position 14641, A replaced by T.
Protein change: p.Met4881Leu; replaces methionine 4881 with leucine.
Molecular consequence: missense variant.
Genome position (GRCh38, 1-based): chr19:38,580,499, A>T. VCF-style: chr19-38580499-A-T. GRCh37 (hg19) VCF-style: chr19-39071139-A-T.
Other names: c.14626A>T, p.Met4876Leu (NM_001042723.2); short protein forms M4876L, M4881L.
Identifiers: ClinVar variation 3074635 (VCV003074635.2), dbSNP rs373387527, ClinGen allele CA308122152.

ClinVar aggregate classification (germline): Uncertain significance. Review status: criteria provided, multiple submitters, no conflicts (2 of 4 stars). 2 submissions from 2 submitters: Uncertain significance (2). Last evaluated 2026-06-17.

Conditions:
Malignant hyperthermia, susceptibility to, 1 (MHS1). Also called: Anesthesia related hyperthermia; Malignant hyperpyrexia; Fulminating hyperpyrexia; Pharmacogenic myopathy; RYR1-Related Malignant Hyperthermia Susceptibility; Malignant hyperthermia suceptibility 1. Identifiers: Orphanet 423, MedGen C2930980, MONDO:0007783, OMIM 145600.
Inborn genetic diseases. Identifiers: MedGen C0950123, MeSH D030342.

Allele frequency attached by ClinVar (database versions not stated): gnomAD 0.00001; TOPMed 0.00001; ESP Exome Variant Server 0.00008.
gnomAD v4.1: 1 of 1,613,936 alleles (0.000062%); highest among the groups gnomAD compares: African/African-American, 0.0013%; no homozygotes.

Submissions (2):

Ambry Genetics
Classification: Uncertain significance for Inborn genetic diseases. Last evaluated: 2026-06-17. Review status: criteria provided, single submitter. Criteria: Ambry Variant Classification Scheme 2023. Collection method: clinical testing. Allele origin: germline.

All of Us Research Program, National Institutes of Health
Classification: Uncertain significance for Malignant hyperthermia, susceptibility to, 1. Last evaluated: 2023-11-20. Review status: criteria provided, single submitter. Criteria: ACMG Guidelines, 2015. Collection method: clinical testing. Allele origin: germline. Inheritance: Autosomal dominant inheritance. Observed: 1 variant allele, 1 heterozygote.
Comment: This missense variant replaces methionine with leucine at codon 4881 of the RYR1 protein. Computational prediction is inconclusive regarding the impact of this variant on protein structure and function (internally defined REVEL score threshold 0.5 < inconclusive < 0.7, PMID: 27666373). To our knowledge, functional studies have not been reported for this variant. This variant has not been reported in individuals affected with RYR1-related disorders in the literature. This variant has not been identified in the general population by the Genome Aggregation Database (gnomAD). The available evidence is insufficient to determine the role of this variant in disease conclusively. Therefore, this variant is classified as a Variant of Uncertain Significance.

This study involves interpretation of variants in research participants for the purpose of population health screening. Participant phenotype was not available at the time of variant classification. Additional details can be found in publication PMID: 35346344, PMCID: PMC8962531